The following is an entry in ClinVar:

ClinVar aggregate classification (germline): Uncertain significance. Review status: criteria provided, multiple submitters, no conflicts (2 of 4 stars). 2 submissions from 2 submitters: Uncertain significance (2). Last evaluated 2025-08-26.

Conditions:
Autosomal dominant limb-girdle muscular dystrophy type 1G (LGMDD3). Also called: MUSCULAR DYSTROPHY, LIMB-GIRDLE, AUTOSOMAL DOMINANT 3; Limb-girdle muscular dystrophy, type 1G. Identifiers: Orphanet 55596, MedGen C1836765, MONDO:0012193, OMIM 609115.

Allele frequency attached by ClinVar (database versions not stated): gnomAD 0.00002; TOPMed 0.00012.
gnomAD v4.1: 18 of 1,366,716 alleles (0.0013%); highest among the groups gnomAD compares: East Asian, 0.051%; no homozygotes.

Submissions (2):

Labcorp Genetics (formerly Invitae), Labcorp
Classification: Uncertain significance for Autosomal dominant limb-girdle muscular dystrophy type 1G. Last evaluated: 2025-08-26. Review status: criteria provided, single submitter. Criteria: Invitae Variant Classification Sherloc (09022015). Collection method: clinical testing. Allele origin: germline.
Comment: This sequence change replaces leucine, which is neutral and non-polar, with phenylalanine, which is neutral and non-polar, at codon 14 of the HNRNPDL protein (p.Leu14Phe). This variant is present in population databases (rs753174711, gnomAD 0.04%). This variant has not been reported in the literature in individuals affected with HNRNPDL-related conditions. ClinVar contains an entry for this variant (Variation ID: 2040348). An algorithm developed to predict the effect of missense changes on protein structure and function (PolyPhen-2) suggests that this variant is likely to be disruptive. In summary, the available evidence is currently insufficient to determine the role of this variant in disease. Therefore, it has been classified as a Variant of Uncertain Significance.

Ambry Genetics
Classification: Uncertain significance. Last evaluated: 2025-06-03. Review status: criteria provided, single submitter. Criteria: Ambry Variant Classification Scheme 2023. Collection method: clinical testing. Allele origin: germline.

NM_031372.4(HNRNPDL):c.42G>T (p.Leu14Phe)

Gene: HNRNPDL (heterogeneous nuclear ribonucleoprotein D like; minus strand). Cytogenetic location: 4q21.22.
Variant type: single nucleotide variant.
Coding change: c.42G>T on transcript NM_031372.4 (MANE Select); coding-DNA position 42, G replaced by T.
Protein change: p.Leu14Phe; replaces leucine 14 with phenylalanine.
Molecular consequence: missense variant. On other transcripts: non-coding transcript variant (1).
Genome position (GRCh38, 1-based): chr4:82,429,649, C>A on the plus strand (G>T on the coding strand, the complement: HNRNPDL is on the minus strand). VCF-style: chr4-82429649-C-A. GRCh37 (hg19) VCF-style: chr4-83350802-C-A.
Other names: c.42G>T, p.Leu14Phe (NM_001207000.1); c.42G>T (NM_031372.3); short protein forms L14F.
Identifiers: ClinVar variation 2040348 (VCV002040348.7), dbSNP rs753174711, ClinGen allele CA2985158.